The following is an entry in ClinVar:

ClinVar aggregate classification (germline): Conflicting classifications of pathogenicity. Review status: criteria provided, conflicting classifications (1 of 4 stars). 3 submissions from 3 submitters: Uncertain significance (2); Likely benign (1). Last evaluated 2026-07-10.

Conditions:
Hereditary cancer-predisposing syndrome. Also called: Neoplastic Syndromes, Hereditary; Hereditary Cancer Syndrome; Tumor predisposition; Hereditary neoplastic syndrome. Identifiers: Orphanet 140162, MedGen C0027672, MeSH D009386, MONDO:0015356.
Cardiovascular phenotype. Identifiers: MedGen CN230736.
Neurofibromatosis, type 1 (NF1). Also called: Peripheral type neurofibromatosis; VON RECKLINGHAUSEN DISEASE; Neurofibromatosis, type I; NEUROFIBROMATOSIS, TYPE I, SOMATIC. Identifiers: Orphanet 636, MedGen C0027831, MONDO:0018975, OMIM 162200. Disease mechanism: loss of function.

Allele frequency attached by ClinVar (database versions not stated): gnomAD exomes below 0.00001.
gnomAD v4.1: 3 of 1,614,082 alleles (0.00019%); highest among the groups gnomAD compares: Non-Finnish European, 0.00025%; no homozygotes.

Submissions (3):

Ambry Genetics
Classification: Likely benign for Cardiovascular phenotype; Hereditary cancer-predisposing syndrome. Last evaluated: 2026-07-10. Review status: criteria provided, single submitter. Criteria: Ambry Variant Classification Scheme 2023. Collection method: clinical testing. Allele origin: germline.

GeneDx
Classification: Uncertain significance. Last evaluated: 2026-03-24. Review status: criteria provided, single submitter. Criteria: GeneDx Variant Classification Process June 2021. Collection method: clinical testing. Allele origin: germline.
Comment: Not observed at significant frequency in large population cohorts (gnomAD); In silico analysis supports that this missense variant has a deleterious effect on protein structure/function; Has not been previously published as pathogenic or benign to our knowledge; This variant is associated with the following publications: (PMID: 25486365)

Labcorp Genetics (formerly Invitae), Labcorp
Classification: Uncertain significance for Neurofibromatosis, type 1. Last evaluated: 2022-12-31. Review status: criteria provided, single submitter. Criteria: Invitae Variant Classification Sherloc (09022015). Collection method: clinical testing. Allele origin: germline.
Comment: In summary, the available evidence is currently insufficient to determine the role of this variant in disease. Therefore, it has been classified as a Variant of Uncertain Significance. Advanced modeling of protein sequence and biophysical properties (such as structural, functional, and spatial information, amino acid conservation, physicochemical variation, residue mobility, and thermodynamic stability) performed at Invitae indicates that this missense variant is not expected to disrupt NF1 protein function. ClinVar contains an entry for this variant (Variation ID: 934589). This variant has not been reported in the literature in individuals affected with NF1-related conditions. This variant is not present in population databases (gnomAD no frequency). This sequence change replaces histidine, which is basic and polar, with arginine, which is basic and polar, at codon 2786 of the NF1 protein (p.His2786Arg).

NM_001042492.3(NF1):c.8420A>G (p.His2807Arg)

Gene: NF1 (neurofibromin 1; plus strand). Cytogenetic location: 17q11.2.
Variant type: single nucleotide variant.
Coding change: c.8420A>G on transcript NM_001042492.3 (MANE Select); coding-DNA position 8420, A replaced by G.
Protein change: p.His2807Arg; replaces histidine 2807 with arginine.
Molecular consequence: missense variant.
Genome position (GRCh38, 1-based): chr17:31,374,055, A>G. VCF-style: chr17-31374055-A-G. GRCh37 (hg19) VCF-style: chr17-29701073-A-G.
Other names: c.8357A>G, p.His2786Arg (NM_000267.4); short protein forms H2786R, H2807R.
Identifiers: ClinVar variation 934589 (VCV000934589.8), dbSNP rs2070695954, ClinGen allele CA399205936.